The following is an entry in ClinVar:

NC_000017.11:g.(?_43106450)_(43106539_?)del

Gene: BRCA1 (BRCA1 DNA repair associated; minus strand). Cytogenetic location: 17q21.31.
Variant type: Deletion.
Identifiers: ClinVar variation 462208 (VCV000462208.1).

ClinVar aggregate classification (germline): Likely pathogenic (1 of 4 stars; one submission).

Conditions:
Hereditary breast ovarian cancer syndrome. Also called: Hereditary breast and ovarian cancer syndrome (HBOC); Hereditary breast and ovarian cancer syndrome; Breast and ovarian cancer; Hereditary breast and/or ovarian cancer syndrome; Hereditary breast and ovarian cancer; BRCA1- and BRCA2-Associated Hereditary Breast and Ovarian Cancer. Identifiers: Orphanet 145, MedGen C0677776, MeSH D061325, MONDO:0003582. Disease mechanism: loss of function.

Submission:

Labcorp Genetics (formerly Invitae), Labcorp
Classification: Likely pathogenic for Hereditary breast and ovarian cancer syndrome. Last evaluated: 2018-01-16. Review status: criteria provided, single submitter. Criteria: Invitae Variant Classification Sherloc (09022015). Collection method: clinical testing. Allele origin: germline.
Comment: This variant is an in-frame deletion of the genomic region encompassing exon 4 of the BRCA1 gene. It preserves the integrity of the reading frame. This variant has been reported in individuals with a personal and/or family history of breast and/or ovarian cancer (PMID: 21281505, 15863663, 16772120, 18431737). This variant is also known as a deletion of exon 5 in the literature. This deletion removes highly conserved residues within the N-terminal RING domain of the BRCA1 protein (PMID: 22843421). Multiple missense substitutions (p.Cys61Gly, p.Cys64Arg, p.Cys64Tyr) at these codons have been reported in affected individuals and shown to disrupt several aspects of BRCA1 function (PMID: 11278247, 9525870, 22172724, 23161852, 23867111)Â¬â€ suggesting that deletion of this region is pathogenic. In summary, the currently available evidence indicates that the variant is pathogenic, but additional data are needed to prove that conclusively. Therefore, this variant has been classified as Likely Pathogenic.

Literature cited by the submitters: PubMed 21281505; PubMed 9525870; PubMed 16772120; PubMed 15863663; PubMed 11278247; PubMed 18431737; PubMed 23867111; PubMed 23161852; PubMed 22172724; PubMed 22843421.